The following is an entry in ClinVar:

NM_002769.5(PRSS1):c.370T>A (p.Ser124Thr)

Genes: PRSS1 (serine protease 1; plus strand), TRB (T cell receptor beta locus; plus strand). Cytogenetic location: 7q34.
Variant type: single nucleotide variant.
Coding change: c.370T>A on transcript NM_002769.5 (MANE Select); coding-DNA position 370, T replaced by A.
Protein change: p.Ser124Thr; replaces serine 124 with threonine.
Molecular consequence: missense variant. On other transcripts: non-coding transcript variant (5).
Genome position (GRCh38, 1-based): chr7:142,751,943, T>A. VCF-style: chr7-142751943-T-A. GRCh37 (hg19) VCF-style: chr7-142459794-T-A.
Other names: short protein forms S124T.
Identifiers: ClinVar variation 3222802 (VCV003222802.1), dbSNP rs1798775039, ClinGen allele CA369608966.

ClinVar aggregate classification (germline): Uncertain significance (1 of 4 stars; one submission).

Conditions:
Hereditary pancreatitis (PCTT). Also called: Hereditary chronic pancreatitis; PRSS1-Related Hereditary Pancreatitis. Identifiers: Orphanet 676, MedGen C0238339, MONDO:0008185, OMIM 167800.

Submission:

Ambry Genetics
Classification: Uncertain significance for Hereditary pancreatitis. Last evaluated: 2024-01-09. Review status: criteria provided, single submitter. Criteria: Ambry Variant Classification Scheme 2023. Collection method: clinical testing. Allele origin: germline.
Comment: The p.S124T variant (also known as c.370T>A), located in coding exon 3 of the PRSS1 gene, results from a T to A substitution at nucleotide position 370. The serine at codon 124 is replaced by threonine, an amino acid with similar properties. This amino acid position is conserved. In addition, this alteration is predicted to be tolerated by in silico analysis. Since supporting evidence is limited at this time, the clinical significance of this alteration remains unclear.